The following is an entry in ClinVar:

ClinVar aggregate classification (germline): Conflicting classifications of pathogenicity. Review status: criteria provided, conflicting classifications (1 of 4 stars). 2 submissions from 2 submitters: Likely pathogenic (1); Uncertain significance (1). Last evaluated 2025-04-23.

Allele frequency attached by ClinVar (database versions not stated): gnomAD exomes 0.00001; TOPMed 0.00002; gnomAD 0.00003.
gnomAD v4.1: 9 of 1,613,724 alleles (0.00056%); highest among the groups gnomAD compares: Non-Finnish European, 0.00076%; no homozygotes.

Submissions (2):

Labcorp Genetics (formerly Invitae), Labcorp
Classification: Likely pathogenic. Last evaluated: 2025-04-23. Review status: criteria provided, single submitter. Criteria: Invitae Variant Classification Sherloc (09022015). Collection method: clinical testing. Allele origin: germline.
Comment: This sequence change affects an acceptor splice site in intron 6 of the C8A gene. It is expected to disrupt RNA splicing. Variants that disrupt the donor or acceptor splice site typically lead to a loss of protein function (PMID: 16199547), and loss-of-function variants in C8A are known to be pathogenic (PMID: 9759902). This variant is present in population databases (no rsID available, gnomAD 0.007%). This variant has not been reported in the literature in individuals affected with C8A-related conditions. ClinVar contains an entry for this variant (Variation ID: 1964665). Algorithms developed to predict the effect of sequence changes on RNA splicing suggest that this variant may disrupt the consensus splice site. In summary, the currently available evidence indicates that the variant is pathogenic, but additional data are needed to prove that conclusively. Therefore, this variant has been classified as Likely Pathogenic.

Blueprint Genetics
Classification: Uncertain significance. Last evaluated: 2024-09-02. Review status: criteria provided, single submitter. Criteria: ACMG Guidelines, 2015. Collection method: clinical testing. Allele origin: germline.

Literature cited by the submitters: PubMed 16199547 (cited by Labcorp Genetics (formerly Invitae), Labcorp); PubMed 9759902 (cited by Labcorp Genetics (formerly Invitae), Labcorp).

NM_000562.3(C8A):c.856-1G>A

Gene: C8A (complement C8 alpha chain; plus strand). Cytogenetic location: 1p32.2.
Variant type: single nucleotide variant.
Coding change: c.856-1G>A on transcript NM_000562.3 (MANE Select); the canonical splice acceptor site of the intron before coding-DNA position 856, G replaced by A.
Molecular consequence: splice acceptor variant.
Genome position (GRCh38, 1-based): chr1:56,885,926, G>A. VCF-style: chr1-56885926-G-A. GRCh37 (hg19) VCF-style: chr1-57351599-G-A.
Identifiers: ClinVar variation 1964665 (VCV001964665.6), dbSNP rs1178623529, ClinGen allele CA340508602.